The following is an entry in ClinVar:

NM_000516.7(GNAS):c.470_472del (p.Glu157del)

Gene: GNAS (GNAS complex locus; plus strand). Cytogenetic location: 20q13.32.
Variant type: Deletion.
Coding change: c.470_472del on transcript NM_000516.7 (MANE Select); coding-DNA positions 470 to 472, 3 bases deleted (AAG; older notation c.470_472delAAG).
Protein change: p.Glu157del; deletes glutamic acid 157.
Molecular consequence: inframe deletion. On other transcripts: 3 prime UTR variant (2).
Genome position (GRCh38, 1-based): chr20:58,905,420-58,905,422, AAG deleted; deleting any 3 consecutive bases within chr20:58,905,419-58,905,422 gives the same sequence; the c. name uses the placement nearest the transcript's 3' end. VCF-style (leftmost placement, unchanged base first): chr20-58905418-TGAA-T. GRCh37 (hg19) VCF-style: chr20-57480473-TGAA-T.
Other names: c.473_475del, p.Glu158del (NM_001077488.5); c.425_427del, p.Glu142del (NM_001077489.4); c.*331_*333del (NM_001077490.3); c.293_295del, p.Glu98del (NM_001309840.2, NM_001309861.2); c.*376_*378del (NM_016592.5); c.2399_2401del, p.Glu800del (NM_080425.4); c.428_430del, p.Glu143del (NM_080426.4); short protein forms E142del, E143del, E157del, E158del, E800del, E98del.
Identifiers: ClinVar variation 1691861 (VCV001691861.3), dbSNP rs2146209517, ClinGen allele CA2573157163.
Genomic context (GRCh38, chr20:58,905,418, plus strand): 5'-TAAACTTTCTTGTGTTCACTTTCAGGAATTCTATGAGCATGCCAAGGCTCTGTGGGAGGA[TGAA>T]GGAGTGCGTGCCTGCTACGAACGCTCCAACGAGTACCAGCTGATTGACTGTGCCCAGTAG-3'

ClinVar aggregate classification (germline): Likely pathogenic (1 of 4 stars; one submission).

Conditions:
Pseudohypoparathyroidism type I A (PHP1A). Also called: Pseudohypoparathyroidism Type IA; Pseudohypoparathyroidism Ia (PHP-Ia); Pseudohypoparathyroidism type 1A; PHP IA; ALBRIGHT HEREDITARY OSTEODYSTROPHY WITH MULTIPLE HORMONE RESISTANCE. Identifiers: Orphanet 79443, MedGen C3494506, MONDO:0007078, OMIM 103580.

Submission:

Institute of Human Genetics, University of Leipzig Medical Center
Classification: Likely pathogenic for Pseudohypoparathyroidism type I A. Last evaluated: 2024-08-22. Review status: criteria provided, single submitter. Criteria: ACMG Guidelines, 2015. Collection method: clinical testing. Allele origin: de novo. Inheritance: Autosomal dominant inheritance. Affected: yes.
Comment: Criteria applied: PS2_MOD,PS4_MOD,PM2,PM4_SUP